The following is an entry in ClinVar:

NM_031935.3(HMCN1):c.6699A>G (p.Lys2233=)

Gene: HMCN1 (hemicentin 1; plus strand). Cytogenetic location: 1q31.1.
Variant type: single nucleotide variant.
Coding change: c.6699A>G on transcript NM_031935.3 (MANE Select); coding-DNA position 6699, A replaced by G.
Protein change: p.Lys2233=; no amino-acid change (lysine 2233 retained).
Molecular consequence: synonymous variant.
Genome position (GRCh38, 1-based): chr1:186,053,073, A>G. VCF-style: chr1-186053073-A-G. GRCh37 (hg19) VCF-style: chr1-186022205-A-G.
Identifiers: ClinVar variation 1413800 (VCV001413800.6), dbSNP rs200609012, ClinGen allele CA1292632.

ClinVar aggregate classification (germline): Uncertain significance (1 of 4 stars; one submission).

Allele frequency attached by ClinVar (database versions not stated): gnomAD 0.00005; TOPMed 0.00005; ExAC 0.00006; gnomAD exomes 0.00007 and 0.00003.
gnomAD v4.1: 56 of 1,608,352 alleles (0.0035%); highest among the groups gnomAD compares: Admixed American, 0.028%; no homozygotes.

Submission:

Labcorp Genetics (formerly Invitae), Labcorp
Classification: Uncertain significance. Last evaluated: 2026-02-01. Review status: criteria provided, single submitter. Criteria: Invitae Variant Classification Sherloc (09022015). Collection method: clinical testing. Allele origin: germline.
Comment: This sequence change affects codon 2233 of the HMCN1 mRNA. It is a 'silent' change, meaning that it does not change the encoded amino acid sequence of the HMCN1 protein. It affects a nucleotide within the consensus splice site. This variant is present in population databases (rs200609012, gnomAD 0.03%). This variant has not been reported in the literature in individuals affected with HMCN1-related conditions. ClinVar contains an entry for this variant (Variation ID: 1413800). Algorithms developed to predict the effect of sequence changes on RNA splicing suggest that this variant may disrupt the consensus splice site. In summary, the available evidence is currently insufficient to determine the role of this variant in disease. Therefore, it has been classified as a Variant of Uncertain Significance.